The following is an entry in ClinVar:

ClinVar aggregate classification (germline): Uncertain significance (1 of 4 stars; one submission).

Allele frequency attached by ClinVar (database versions not stated): TOPMed below 0.00001.

Submission:

Ambry Genetics
Classification: Uncertain significance. Last evaluated: 2022-06-07. Review status: criteria provided, single submitter. Criteria: Ambry Variant Classification Scheme 2023. Collection method: clinical testing. Allele origin: germline.
Comment: The p.S127N variant (also known as c.380G>A), located in coding exon 5 of the RAD54L gene, results from a G to A substitution at nucleotide position 380. The serine at codon 127 is replaced by asparagine, an amino acid with highly similar properties. This amino acid position is conserved. In addition, the in silico prediction for this alteration is inconclusive. Since supporting evidence is limited at this time, the clinical significance of this alteration remains unclear.

NM_003579.4(RAD54L):c.380G>A (p.Ser127Asn)

Gene: RAD54L (RAD54 like; plus strand). Cytogenetic location: 1p34.1.
Variant type: single nucleotide variant.
Coding change: c.380G>A on transcript NM_003579.4 (MANE Select); coding-DNA position 380, G replaced by A.
Protein change: p.Ser127Asn; replaces serine 127 with asparagine.
Molecular consequence: missense variant. On other transcripts: 5 prime UTR variant (1).
Genome position (GRCh38, 1-based): chr1:46,260,072, G>A. VCF-style: chr1-46260072-G-A. GRCh37 (hg19) VCF-style: chr1-46725744-G-A.
Other names: c.380G>A, p.Ser127Asn (NM_001142548.2); c.-161G>A (NM_001370766.1); short protein forms S127N.
Identifiers: ClinVar variation 1735141 (VCV001735141.2), dbSNP rs1660065176, ClinGen allele CA340182666.
Genomic context (GRCh38, chr1:46,260,072, plus strand): 5'-GGGCCCTCCATGACCCCCTGGAAAAAGATGCCTTGGTTCTGTATGAGCCTCCCCCGCTGA[G>A]CGCTCATGACCAGCTGAAGCTTGACAAGTATGTGCACTGGTATTTCATAAGCAGTTTTGG-3'
Protein context (NP_003570.2, residues 117-137): ALVLYEPPPL[Ser127Asn]AHDQLKLDKE